The following is an entry in ClinVar:

ClinVar aggregate classification (germline): Uncertain significance (1 of 4 stars; one submission).

Conditions:
Cardiac arrhythmia. Also called: Arrhythmia; Cardiac rhythm disease. Identifiers: MedGen C0003811, MONDO:0007263, HP:0011675.

Allele frequency attached by ClinVar (database versions not stated): gnomAD 0.00001; gnomAD exomes below 0.00001; TOPMed below 0.00001.
gnomAD v4.1: 3 of 1,614,016 alleles (0.00019%); highest among the groups gnomAD compares: Admixed American, 0.0017%; no homozygotes.

Submission:

Labcorp Genetics (formerly Invitae), Labcorp
Classification: Uncertain significance for Cardiac arrhythmia. Last evaluated: 2024-02-14. Review status: criteria provided, single submitter. Criteria: Invitae Variant Classification Sherloc (09022015). Collection method: clinical testing. Allele origin: germline.
Comment: This sequence change replaces glutamic acid, which is acidic and polar, with lysine, which is basic and polar, at codon 83 of the RANGRF protein (p.Glu83Lys). This variant is not present in population databases (gnomAD no frequency). This variant has not been reported in the literature in individuals affected with RANGRF-related conditions. An algorithm developed to predict the effect of missense changes on protein structure and function (PolyPhen-2) suggests that this variant is likely to be tolerated. In summary, the available evidence is currently insufficient to determine the role of this variant in disease. Therefore, it has been classified as a Variant of Uncertain Significance.

NM_016492.5(RANGRF):c.247G>A (p.Glu83Lys)

Genes: RANGRF (RAN guanine nucleotide release factor; plus strand), SLC25A35 (solute carrier family 25 member 35; minus strand). Cytogenetic location: 17p13.1.
Variant type: single nucleotide variant.
Coding change: c.247G>A on transcript NM_016492.5 (MANE Select); coding-DNA position 247, G replaced by A.
Protein change: p.Glu83Lys; replaces glutamic acid 83 with lysine.
Molecular consequence: missense variant. On other transcripts: 3 prime UTR variant (2), non-coding transcript variant (2), intron variant (1).
Genome position (GRCh38, 1-based): chr17:8,289,310, G>A. VCF-style: chr17-8289310-G-A. GRCh37 (hg19) VCF-style: chr17-8192628-G-A.
Other names: c.247G>A, p.Glu83Lys (NM_001177801.2, NM_001177802.2, NM_001330127.2); c.*173C>T (NM_001320872.2); c.*306C>T (NM_201520.3); c.*42+264C>T (NM_001320871.2); short protein forms E83K.
Identifiers: ClinVar variation 2713475 (VCV002713475.3), dbSNP rs1990292207, ClinGen allele CA397994794.